The following is an entry in ClinVar:

NM_006231.4(POLE):c.2599G>C (p.Val867Leu)

Gene: POLE (DNA polymerase epsilon, catalytic subunit; minus strand). Cytogenetic location: 12q24.33.
Variant type: single nucleotide variant.
Coding change: c.2599G>C on transcript NM_006231.4 (MANE Select); coding-DNA position 2599, G replaced by C.
Protein change: p.Val867Leu; replaces valine 867 with leucine.
Molecular consequence: missense variant.
Genome position (GRCh38, 1-based): chr12:132,664,111, C>G on the plus strand (G>C on the coding strand, the complement: POLE is on the minus strand). VCF-style: chr12-132664111-C-G. GRCh37 (hg19) VCF-style: chr12-133240697-C-G.
Other names: c.2599G>C (NM_006231.2); short protein forms V867L.
Identifiers: ClinVar variation 853794 (VCV000853794.12), dbSNP rs374200895, ClinGen allele CA387395710.

ClinVar aggregate classification (germline): Uncertain significance. Review status: criteria provided, multiple submitters, no conflicts (2 of 4 stars). 2 submissions from 2 submitters: Uncertain significance (2). Last evaluated 2025-06-12.

Conditions:
Hereditary cancer-predisposing syndrome. Also called: Neoplastic Syndromes, Hereditary; Hereditary Cancer Syndrome; Tumor predisposition; Hereditary neoplastic syndrome. Identifiers: Orphanet 140162, MedGen C0027672, MeSH D009386, MONDO:0015356.

Submissions (2):

Ambry Genetics
Classification: Uncertain significance for Hereditary cancer-predisposing syndrome. Last evaluated: 2025-06-12. Review status: criteria provided, single submitter. Criteria: Ambry Variant Classification Scheme 2023. Collection method: clinical testing. Allele origin: germline.
Comment: The p.V867L variant (also known as c.2599G>C), located in coding exon 23 of the POLE gene, results from a G to C substitution at nucleotide position 2599. The valine at codon 867 is replaced by leucine, an amino acid with highly similar properties. This amino acid position is highly conserved in available vertebrate species. In addition, this alteration is predicted to be tolerated by in silico analysis. Based on the available evidence, the clinical significance of this variant remains unclear.

Labcorp Genetics (formerly Invitae), Labcorp
Classification: Uncertain significance. Last evaluated: 2022-08-03. Review status: criteria provided, single submitter. Criteria: Invitae Variant Classification Sherloc (09022015). Collection method: clinical testing. Allele origin: germline.
Comment: This sequence change replaces valine, which is neutral and non-polar, with leucine, which is neutral and non-polar, at codon 867 of the POLE protein (p.Val867Leu). In summary, the available evidence is currently insufficient to determine the role of this variant in disease. Therefore, it has been classified as a Variant of Uncertain Significance. Algorithms developed to predict the effect of missense changes on protein structure and function (SIFT, PolyPhen-2, Align-GVGD) all suggest that this variant is likely to be tolerated. ClinVar contains an entry for this variant (Variation ID: 853794). This variant has not been reported in the literature in individuals affected with POLE-related conditions. This variant is not present in population databases (gnomAD no frequency).